The following is an entry in ClinVar:

ClinVar aggregate classification (germline): Benign (1 of 4 stars; one submission).

Allele frequency attached by ClinVar (database versions not stated): 1000 Genomes Project 0.00160; 1000 Genomes Project 30x 0.00219; TOPMed 0.00553; gnomAD 0.00588; ExAC 0.00610; ESP Exome Variant Server 0.00700; gnomAD exomes 0.00792.
gnomAD v4.1: 12,328 of 1,614,044 alleles (0.76%); highest among the groups gnomAD compares: Non-Finnish European, 0.96%; 53 homozygotes.

Submission:

CeGaT Center for Human Genetics Tuebingen
Classification: Benign. Last evaluated: 2022-11-01. Review status: criteria provided, single submitter. Criteria: CeGaT Center For Human Genetics Tuebingen Variant Classification Criteria Version 2. Collection method: clinical testing. Allele origin: germline. Affected: yes. Observed: 1 variant allele.
Comment: SLC22A13: BP4, BS1, BS2

NM_004256.4(SLC22A13):c.47G>A (p.Arg16His)

Gene: SLC22A13 (solute carrier family 22 member 13; plus strand). Cytogenetic location: 3p22.2.
Variant type: single nucleotide variant.
Coding change: c.47G>A on transcript NM_004256.4 (MANE Select); coding-DNA position 47, G replaced by A.
Protein change: p.Arg16His; replaces arginine 16 with histidine.
Molecular consequence: missense variant.
Genome position (GRCh38, 1-based): chr3:38,265,907, G>A. VCF-style: chr3-38265907-G-A. GRCh37 (hg19) VCF-style: chr3-38307398-G-A.
Other names: short protein forms R16H.
Identifiers: ClinVar variation 2653669 (VCV002653669.24), dbSNP rs72542450, ClinGen allele CA2316792.
Genomic context (GRCh38, chr3:38,265,907, plus strand): 5'-AGTGACTGGCATACATGGCTCAGTTTGTCCAGGTCCTGGCTGAAATAGGTGACTTTGGTC[G>A]CTTCCAGATACAGCTATTGATCCTGCTGTGTGTTCTCAACTTCCTGTCTCCCTTCTACTT-3'
Protein context (NP_004247.2, residues 6-26): QVLAEIGDFG[Arg16His]FQIQLLILLC